The following is an entry in ClinVar:

ClinVar aggregate classification (germline): Likely pathogenic (1 of 4 stars; one submission).

Conditions:
Pigmentary pallidal degeneration (NBIA1). Also called: Pantothenate Kinase-Associated Neurodegeneration; Neurodegeneration with brain iron accumulation 1; HARP SYNDROME; PKAN NEUROAXONAL DYSTROPHY, JUVENILE-ONSET; Neuroaxonal dystrophy, late infantile; Hallervorden-Spatz disease. Identifiers: Orphanet 157850, MedGen C0018523, MONDO:0009319, OMIM 234200.

gnomAD v4.1: 2 of 1,614,108 alleles (0.00012%); highest among the groups gnomAD compares: Non-Finnish European, 0.000085%; no homozygotes.

Submission:

Genetics and Prenatal Diagnosis Center, The First Affiliated Hospital of Zhengzhou University
Classification: Likely pathogenic for Pigmentary pallidal degeneration. Last evaluated: 2021-05-13. Review status: criteria provided, single submitter. Criteria: ACMG Guidelines, 2015. Collection method: clinical testing. Allele origin: germline. Affected: yes.

NM_001386393.1(PANK2):c.766C>A (p.Pro256Thr)

Gene: PANK2 (pantothenate kinase 2; plus strand). Cytogenetic location: 20p13.
Variant type: single nucleotide variant.
Coding change: c.766C>A on transcript NM_001386393.1 (MANE Select); coding-DNA position 766, C replaced by A.
Protein change: p.Pro256Thr; replaces proline 256 with threonine.
Molecular consequence: missense variant. On other transcripts: 5 prime UTR variant (1), non-coding transcript variant (1).
Genome position (GRCh38, 1-based): chr20:3,910,691, C>A. VCF-style: chr20-3910691-C-A. GRCh37 (hg19) VCF-style: chr20-3891338-C-A.
Other names: c.223C>A, p.Pro75Thr (NM_001324191.2, NM_024960.6, NM_153640.4); c.-213C>A (NM_001324193.2); c.1096C>A, p.Pro366Thr (NM_153638.4); short protein forms P256T, P366T, P75T.
Identifiers: ClinVar variation 1098283 (VCV001098283.1), dbSNP rs777624606, ClinGen allele CA408115029.